The following is an entry in ClinVar:

NM_001572.5(IRF7):c.78C>G (p.Cys26Trp)

Gene: IRF7 (interferon regulatory factor 7; minus strand). Cytogenetic location: 11p15.5.
Variant type: single nucleotide variant.
Coding change: c.78C>G on transcript NM_001572.5 (MANE Select); coding-DNA position 78, C replaced by G.
Protein change: p.Cys26Trp; replaces cysteine 26 with tryptophan.
Molecular consequence: missense variant.
Genome position (GRCh38, 1-based): chr11:615,202, G>C on the plus strand (C>G on the coding strand, the complement: IRF7 is on the minus strand). VCF-style: chr11-615202-G-C. GRCh37 (hg19) VCF-style: chr11-615202-G-C.
Other names: c.78C>G, p.Cys26Trp (NM_004029.4); c.117C>G, p.Cys39Trp (NM_004031.4); short protein forms C26W, C39W.
Identifiers: ClinVar variation 2472428 (VCV002472428.5), dbSNP rs767751130, ClinGen allele CA5784100.

ClinVar aggregate classification (germline): Uncertain significance. Review status: criteria provided, multiple submitters, no conflicts (2 of 4 stars). 2 submissions from 2 submitters: Uncertain significance (2). Last evaluated 2025-07-29.

Conditions:
Immunodeficiency 39 (IMD39). Identifiers: Orphanet 574918, MedGen C4225358, MONDO:0014597, OMIM 616345.

Allele frequency attached by ClinVar (database versions not stated): ExAC 0.00001; gnomAD 0.00001; gnomAD exomes 0.00001; TOPMed 0.00001.

Submissions (2):

Labcorp Genetics (formerly Invitae), Labcorp
Classification: Uncertain significance for Immunodeficiency 39. Last evaluated: 2025-07-29. Review status: criteria provided, single submitter. Criteria: Invitae Variant Classification Sherloc (09022015). Collection method: clinical testing. Allele origin: germline.
Comment: This sequence change replaces cysteine, which is neutral and slightly polar, with tryptophan, which is neutral and slightly polar, at codon 39 of the IRF7 protein (p.Cys39Trp). This variant is present in population databases (rs767751130, gnomAD 0.001%). This variant has not been reported in the literature in individuals affected with IRF7-related conditions. ClinVar contains an entry for this variant (Variation ID: 2472428). Invitae Evidence Modeling of protein sequence and biophysical properties (such as structural, functional, and spatial information, amino acid conservation, physicochemical variation, residue mobility, and thermodynamic stability) indicates that this missense variant is not expected to disrupt IRF7 protein function with a negative predictive value of 80%. In summary, the available evidence is currently insufficient to determine the role of this variant in disease. Therefore, it has been classified as a Variant of Uncertain Significance.

Ambry Genetics
Classification: Uncertain significance. Last evaluated: 2023-01-24. Review status: criteria provided, single submitter. Criteria: Ambry Variant Classification Scheme 2023. Collection method: clinical testing. Allele origin: germline.